The following is an entry in ClinVar:

NM_144997.7(FLCN):c.187C>T (p.Pro63Ser)

Gene: FLCN (folliculin; minus strand). Cytogenetic location: 17p11.2.
Variant type: single nucleotide variant.
Coding change: c.187C>T on transcript NM_144997.7 (MANE Select); coding-DNA position 187, C replaced by T.
Protein change: p.Pro63Ser; replaces proline 63 with serine.
Molecular consequence: missense variant.
Genome position (GRCh38, 1-based): chr17:17,227,951, G>A on the plus strand (C>T on the coding strand, the complement: FLCN is on the minus strand). VCF-style: chr17-17227951-G-A. GRCh37 (hg19) VCF-style: chr17-17131265-G-A.
Other names: c.187C>T, p.Pro63Ser (NM_001353229.2, NM_001353230.2, NM_001353231.2 and 1 more transcripts); short protein forms P63S.
Identifiers: ClinVar variation 3653967 (VCV003653967.2).

ClinVar aggregate classification (germline): Uncertain significance (1 of 4 stars; one submission).

Conditions:
Birt-Hogg-Dube syndrome. Also called: Birt Hogg Dubé syndrome. Identifiers: Orphanet 122, MedGen C0346010, MONDO:0800444.

gnomAD v4.1: 2 of 1,614,014 alleles (0.00012%); highest among the groups gnomAD compares: Non-Finnish European, 0.00017%; no homozygotes.

Submission:

Labcorp Genetics (formerly Invitae), Labcorp
Classification: Uncertain significance for Birt-Hogg-Dube syndrome. Last evaluated: 2024-05-21. Review status: criteria provided, single submitter. Criteria: Invitae Variant Classification Sherloc (09022015). Collection method: clinical testing. Allele origin: germline.
Comment: This sequence change replaces proline, which is neutral and non-polar, with serine, which is neutral and polar, at codon 63 of the FLCN protein (p.Pro63Ser). This variant is not present in population databases (gnomAD no frequency). This variant has not been reported in the literature in individuals affected with FLCN-related conditions. Advanced modeling of protein sequence and biophysical properties (such as structural, functional, and spatial information, amino acid conservation, physicochemical variation, residue mobility, and thermodynamic stability) performed at Invitae indicates that this missense variant is not expected to disrupt FLCN protein function with a negative predictive value of 80%. In summary, the available evidence is currently insufficient to determine the role of this variant in disease. Therefore, it has been classified as a Variant of Uncertain Significance.